The following is an entry in ClinVar:

ClinVar aggregate classification (germline): Uncertain significance (1 of 4 stars; one submission).

Allele frequency attached by ClinVar (database versions not stated): TOPMed below 0.00001; gnomAD 0.00001; gnomAD exomes 0.00001; ExAC 0.00002; ESP Exome Variant Server 0.00008.
gnomAD v4.1: 8 of 1,613,970 alleles (0.0005%); highest among the groups gnomAD compares: Non-Finnish European, 0.00068%; no homozygotes.

Submission:

Labcorp Genetics (formerly Invitae), Labcorp
Classification: Uncertain significance. Last evaluated: 2022-10-17. Review status: criteria provided, single submitter. Criteria: Invitae Variant Classification Sherloc (09022015). Collection method: clinical testing. Allele origin: germline.
Comment: ClinVar contains an entry for this variant (Variation ID: 1426377). In summary, the available evidence is currently insufficient to determine the role of this variant in disease. Therefore, it has been classified as a Variant of Uncertain Significance. Advanced modeling of protein sequence and biophysical properties (such as structural, functional, and spatial information, amino acid conservation, physicochemical variation, residue mobility, and thermodynamic stability) performed at Invitae indicates that this missense variant is not expected to disrupt KMT2A protein function. This variant has not been reported in the literature in individuals affected with KMT2A-related conditions. This variant is present in population databases (rs138913980, gnomAD 0.0009%). This sequence change replaces methionine, which is neutral and non-polar, with threonine, which is neutral and polar, at codon 2477 of the KMT2A protein (p.Met2477Thr).

NM_001197104.2(KMT2A):c.7430T>C (p.Met2477Thr)

Gene: KMT2A (lysine methyltransferase 2A; plus strand). Cytogenetic location: 11q23.3.
Variant type: single nucleotide variant.
Coding change: c.7430T>C on transcript NM_001197104.2 (MANE Select); coding-DNA position 7430, T replaced by C.
Protein change: p.Met2477Thr; replaces methionine 2477 with threonine.
Molecular consequence: missense variant.
Genome position (GRCh38, 1-based): chr11:118,503,322, T>C. VCF-style: chr11-118503322-T-C. GRCh37 (hg19) VCF-style: chr11-118374037-T-C.
Other names: c.7421T>C, p.Met2474Thr (NM_005933.4); short protein forms M2477T, M2474T.
Identifiers: ClinVar variation 1426377 (VCV001426377.8), dbSNP rs138913980, ClinGen allele CA6304397.
Genomic context (GRCh38, chr11:118,503,322, plus strand): 5'-CTGGTGAGGAAGGAAACTTGAAGCCAGAGTTTATGGATGAGGTTTTGACTCCTGAGTATA[T>C]GGGCCAACGACCATGTAACAATGTTTCTTCTGATAAGATTGGTGATAAAGGCCTTTCTAT-3'
Protein context (NP_001184033.1, residues 2467-2487): FMDEVLTPEY[Met2477Thr]GQRPCNNVSS